The following is an entry in ClinVar:

ClinVar aggregate classification (germline): Uncertain significance (1 of 4 stars; one submission).

Conditions:
BEST1-related disorder. Also called: BEST1-related condition; BEST1-related disorders. Identifiers: MedGen CN239200.

Allele frequency attached by ClinVar (database versions not stated): gnomAD exomes below 0.00001; gnomAD 0.00002; ExAC 0.00003; 1000 Genomes Project 30x 0.00016; 1000 Genomes Project 0.00020.

Submission:

PreventionGenetics, part of Exact Sciences
Classification: Uncertain significance for BEST1-related condition. Last evaluated: 2022-11-10. Review status: criteria provided, single submitter. Criteria: ACMG Guidelines, 2015. Collection method: clinical testing. Allele origin: germline.
Comment: The BEST1 c.1688G>A variant is predicted to result in the amino acid substitution p.Arg563His. To our knowledge, this variant has not been reported in the literature. This variant is reported in 0.0051% of alleles in individuals of African descent in gnomAD. At this time, the clinical significance of this variant is uncertain due to the absence of conclusive functional and genetic evidence.

NM_004183.4(BEST1):c.1739+129G>A

Gene: BEST1 (bestrophin 1; plus strand). Cytogenetic location: 11q12.3.
Variant type: single nucleotide variant.
Coding change: c.1739+129G>A on transcript NM_004183.4 (MANE Select); 129 bases into the intron after coding-DNA position 1739, G replaced by A.
Molecular consequence: intron variant. On other transcripts: missense variant (3).
Genome position (GRCh38, 1-based): chr11:61,963,022, G>A. VCF-style: chr11-61963022-G-A. GRCh37 (hg19) VCF-style: chr11-61730494-G-A.
Other names: c.1688G>A, p.Arg563His (NM_001139443.3); c.1550G>A, p.Arg517His (NM_001363591.3); c.*763G>A (NM_001363592.2); c.896G>A, p.Arg299His (NM_001363593.3); c.1559+129G>A (NM_001300787.2); c.1478+129G>A (NM_001300786.2); short protein forms R299H, R517H, R563H.
Identifiers: ClinVar variation 2636160 (VCV002636160.1), dbSNP rs534213686, ClinGen allele CA6041135.
Genomic context (GRCh38, chr11:61,963,022, plus strand): 5'-GCCTACCCTTCCTCCACAATTTCCTAGGGTTCCATCACTGCCAGAGCACACTGGACCTAC[G>A]CCCAGCACTGGCTTGGGGTATATACTTGGCCACCTTCACAGGGATCCTAGGGAAGTGTTC-3'